The following is an entry in ClinVar:

NM_006019.4(TCIRG1):c.1741_1742del (p.Phe581fs)

Gene: TCIRG1 (T cell immune regulator 1, ATPase H+ transporting V0 subunit a3; plus strand). Cytogenetic location: 11q13.2.
Variant type: Deletion.
Coding change: c.1741_1742del on transcript NM_006019.4 (MANE Select); coding-DNA positions 1741 to 1742, 2 bases deleted (TT; older notation c.1741_1742delTT).
Protein change: p.Phe581fs; shifts the reading frame from phenylalanine 581.
Molecular consequence: frameshift variant.
Genome position (GRCh38, 1-based): chr11:68,049,148-68,049,149, TT deleted. VCF-style (leftmost placement, unchanged base first): chr11-68049147-CTT-C. GRCh37 (hg19) VCF-style: chr11-67816614-CTT-C.
Other names: c.847_848del, p.Phe283fs (NM_001351059.2); c.1093_1094del, p.Phe365fs (NM_006053.4); short protein forms F365fs, F581fs, F283fs.
Identifiers: ClinVar variation 2810940 (VCV002810940.3), dbSNP rs760350445, ClinGen allele CA6147251.

ClinVar aggregate classification (germline): Pathogenic (1 of 4 stars; one submission).

Allele frequency attached by ClinVar (database versions not stated): gnomAD exomes below 0.00001; ExAC 0.00001.

Submission:

Labcorp Genetics (formerly Invitae), Labcorp
Classification: Pathogenic. Last evaluated: 2022-10-31. Review status: criteria provided, single submitter. Criteria: Invitae Variant Classification Sherloc (09022015). Collection method: clinical testing. Allele origin: germline.
Comment: For these reasons, this variant has been classified as Pathogenic. This variant has not been reported in the literature in individuals affected with TCIRG1-related conditions. This variant is present in population databases (rs760350445, gnomAD 0.006%). This sequence change creates a premature translational stop signal (p.Phe581Argfs*88) in the TCIRG1 gene. It is expected to result in an absent or disrupted protein product. Loss-of-function variants in TCIRG1 are known to be pathogenic (PMID: 10888887, 10942435, 11532986, 19448635).

Literature cited by the submitters: PubMed 10888887; PubMed 10942435; PubMed 11532986; PubMed 19448635.